The following is an entry in ClinVar:

ClinVar aggregate classification (germline): Uncertain significance. Review status: criteria provided, multiple submitters, no conflicts (2 of 4 stars). 2 submissions from 2 submitters: Uncertain significance (2). Last evaluated 2025-02-13.

Conditions:
Inborn genetic diseases. Identifiers: MedGen C0950123, MeSH D030342.

Allele frequency attached by ClinVar (database versions not stated): TOPMed 0.00001; gnomAD exomes 0.00002; ExAC 0.00004.
gnomAD v4.1: 38 of 1,614,122 alleles (0.0024%); highest among the groups gnomAD compares: Non-Finnish European, 0.0022%; 1 homozygote.

Submissions (2):

Ambry Genetics
Classification: Uncertain significance for Inborn genetic diseases. Last evaluated: 2025-02-13. Review status: criteria provided, single submitter. Criteria: Ambry Variant Classification Scheme 2023. Collection method: clinical testing. Allele origin: germline.

Labcorp Genetics (formerly Invitae), Labcorp
Classification: Uncertain significance. Last evaluated: 2023-09-22. Review status: criteria provided, single submitter. Criteria: Invitae Variant Classification Sherloc (09022015). Collection method: clinical testing. Allele origin: germline.
Comment: In summary, the available evidence is currently insufficient to determine the role of this variant in disease. Therefore, it has been classified as a Variant of Uncertain Significance. Advanced modeling of protein sequence and biophysical properties (such as structural, functional, and spatial information, amino acid conservation, physicochemical variation, residue mobility, and thermodynamic stability) performed at Invitae indicates that this missense variant is not expected to disrupt PPOX protein function. This variant has not been reported in the literature in individuals affected with PPOX-related conditions. This variant is present in population databases (rs759209914, gnomAD 0.002%). This sequence change replaces glutamic acid, which is acidic and polar, with aspartic acid, which is acidic and polar, at codon 355 of the PPOX protein (p.Glu355Asp).

NM_001122764.3(PPOX):c.1065G>C (p.Glu355Asp)

Gene: PPOX (protoporphyrinogen oxidase; plus strand). Cytogenetic location: 1q23.3.
Variant type: single nucleotide variant.
Coding change: c.1065G>C on transcript NM_001122764.3 (MANE Select); coding-DNA position 1065, G replaced by C.
Protein change: p.Glu355Asp; replaces glutamic acid 355 with aspartic acid.
Molecular consequence: missense variant. On other transcripts: intron variant (1).
Genome position (GRCh38, 1-based): chr1:161,170,486, G>C. VCF-style: chr1-161170486-G-C. GRCh37 (hg19) VCF-style: chr1-161140276-G-C.
Other names: c.1065G>C, p.Glu355Asp (NM_000309.5, NM_001365398.1); c.966G>C, p.Glu322Asp (NM_001350128.2); c.657G>C, p.Glu219Asp (NM_001350129.2, NM_001365400.1); c.579G>C, p.Glu193Asp (NM_001350130.2, NM_001350131.2, NM_001365401.1); c.988-134G>C (NM_001365399.1); c.1065G>C (NM_000309.3); short protein forms E322D, E355D, E219D, E193D.
Identifiers: ClinVar variation 2718634 (VCV002718634.4), dbSNP rs759209914, ClinGen allele CA1207336.
Genomic context (GRCh38, chr1:161,170,486, plus strand): 5'-GCCATCTTCAGAAGATCCAGGAGTCCTGGGAATCGTGTATGACTCAGTTGCTTTCCCTGA[G>C]CAGGACGGGAGCCCCCCTGGCCTCAGAGTGACTGTGAGGAGGAGGAAACTTTGCCTAGTG-3'
Protein context (NP_001116236.1, residues 345-365): GIVYDSVAFP[Glu355Asp]QDGSPPGLRV